The following is an entry in ClinVar:

ClinVar aggregate classification (germline): Benign. Review status: criteria provided, multiple submitters, no conflicts (2 of 4 stars). 11 submissions from 11 submitters: Benign (9). 2 of the submissions do not count toward it. Last evaluated 2026-02-04.

Conditions:
Megalencephalic leukoencephalopathy with subcortical cysts. Also called: VAN DER KNAAP DISEASE. Identifiers: Orphanet 2478, MedGen C1858854, MONDO:0011391.
Megalencephalic leukoencephalopathy with subcortical cysts 1 (MLC1). Also called: LEUKOENCEPHALOPATHY WITH SWELLING AND CYSTS; VACUOLATING MEGALENCEPHALIC LEUKOENCEPHALOPATHY WITH SUBCORTICAL CYSTS. Identifiers: Orphanet 2478, MedGen C5779875, MONDO:0024555, OMIM 604004.

Allele frequency attached by ClinVar (database versions not stated): gnomAD 0.11145 and 0.11580; ESP Exome Variant Server 0.11295; TOPMed 0.11891; gnomAD exomes 0.12449 and 0.12872; ExAC 0.12701; 1000 Genomes Project 30x 0.12820; 1000 Genomes Project 0.13059.
gnomAD v4.1: 205,547 of 1,612,906 alleles (13%); highest among the groups gnomAD compares: South Asian, 22%; 13,860 homozygotes.

Submissions (11):

Labcorp Genetics (formerly Invitae), Labcorp
Classification: Benign. Last evaluated: 2026-02-04. Review status: criteria provided, single submitter. Criteria: Invitae Variant Classification Sherloc (09022015). Collection method: clinical testing. Allele origin: germline.

Blueprint Genetics
Classification: Benign. Last evaluated: 2024-11-28. Review status: criteria provided, single submitter. Criteria: ACMG Guidelines, 2015. Collection method: clinical testing. Allele origin: germline.

Mayo Clinic Laboratories, Mayo Clinic
Classification: Benign. Last evaluated: 2022-03-24. Review status: criteria provided, single submitter. Criteria: ACMG Guidelines, 2015. Collection method: clinical testing. Allele origin: germline. Observed: 104 variant alleles.

Women's Health and Genetics/Laboratory Corporation of America, LabCorp
Classification: Benign. Last evaluated: 2021-12-10. Review status: criteria provided, single submitter. Criteria: LabCorp Variant Classification Summary - May 2015. Collection method: clinical testing. Allele origin: germline.

Genome-Nilou Lab
Classification: Benign for Megalencephalic leukoencephalopathy with subcortical cysts 1. Last evaluated: 2021-06-10. Review status: criteria provided, single submitter. Criteria: ACMG Guidelines, 2015. Collection method: clinical testing. Allele origin: germline. Affected: no.

GeneDx
Classification: Benign. Last evaluated: 2021-05-04. Review status: criteria provided, single submitter. Criteria: GeneDx Variant Classification Process June 2021. Collection method: clinical testing. Allele origin: germline. Affected: yes.

Illumina Laboratory Services, Illumina
Classification: Benign for Megalencephalic leukoencephalopathy with subcortical cysts 1. Last evaluated: 2018-01-13. Review status: criteria provided, single submitter. Criteria: ICSL Variant Classification Criteria 13 December 2019. Collection method: clinical testing. Allele origin: germline.
Comment: This variant was observed in the ICSL laboratory as part of a predisposition screen in an ostensibly healthy population. It had not been previously curated by ICSL or reported in the Human Gene Mutation Database (HGMD: prior to June 1st, 2018), and was therefore a candidate for classification through an automated scoring system. Utilizing variant allele frequency, disease prevalence and penetrance estimates, and inheritance mode, an automated score was calculated to assess if this variant is too frequent to cause the disease. Based on the score and internal cut-off values, a variant classified as benign is not then subjected to further curation. The score for this variant resulted in a classification of benign for this disease.

Breakthrough Genomics
Classification: Benign. Review status: criteria provided, single submitter. Criteria: ACMG Guidelines, 2015. Collection method: not provided. Allele origin: germline. Inheritance: Autosomal recessive inheritance. Affected: yes.

PreventionGenetics, part of Exact Sciences
Classification: Benign. Review status: criteria provided, single submitter. Criteria: ACMG Guidelines, 2015. Collection method: clinical testing. Allele origin: germline.

Natera, Inc.
Classification: Benign for Megalencephalic leukoencephalopathy with subcortical cysts. Last evaluated: 2019-12-09. Review status: no assertion criteria provided. Collection method: clinical testing. Allele origin: germline. Not counted in ClinVar's aggregate classification.

Genetic Services Laboratory, University of Chicago
Classification: Likely benign for AllHighlyPenetrant. Review status: no assertion criteria provided. Collection method: clinical testing. Allele origin: germline. Inheritance: Autosomal recessive inheritance. Not counted in ClinVar's aggregate classification.
Comment: Likely benign based on allele frequency in 1000 Genomes Project or ESP global frequency and its presence in a patient with a rare or unrelated disease phenotype. NOT Sanger confirmed.

NM_015166.4(MLC1):c.594C>T (p.Tyr198=)

Gene: MLC1 (modulator of VRAC current 1; minus strand). Cytogenetic location: 22q13.33.
Variant type: single nucleotide variant.
Coding change: c.594C>T on transcript NM_015166.4 (MANE Select); coding-DNA position 594, C replaced by T.
Protein change: p.Tyr198=; no amino-acid change (tyrosine 198 retained).
Molecular consequence: synonymous variant. On other transcripts: non-coding transcript variant (3).
Genome position (GRCh38, 1-based): chr22:50,076,844, G>A on the plus strand (C>T on the coding strand, the complement: MLC1 is on the minus strand). VCF-style: chr22-50076844-G-A. GRCh37 (hg19) VCF-style: chr22-50515273-G-A.
Other names: p.Tyr198=; c.594C>T, p.Tyr198= (NM_001376472.1, NM_001376473.1, NM_001376474.1 and 6 more transcripts); c.504C>T, p.Tyr168= (NM_001376480.1); c.492C>T, p.Tyr164= (NM_001376481.1); c.438C>T, p.Tyr146= (NM_001376482.1, NM_001376483.1); c.357C>T, p.Tyr119= (NM_001376484.1).
Identifiers: ClinVar variation 129614 (VCV000129614.26), dbSNP rs6010165, ClinGen allele CA153704.